The following is an entry in ClinVar:

NM_001267550.2(TTN):c.99536T>C (p.Val33179Ala)

Genes: TTN (titin; minus strand), TTN-AS1 (TTN antisense RNA 1; plus strand). Cytogenetic location: 2q31.2.
Variant type: single nucleotide variant.
Coding change: c.99536T>C on transcript NM_001267550.2 (MANE Select); coding-DNA position 99536, T replaced by C.
Protein change: p.Val33179Ala; replaces valine 33179 with alanine.
Molecular consequence: missense variant. On other transcripts: non-coding transcript variant (1).
Genome position (GRCh38, 1-based): chr2:178,537,671, A>G on the plus strand (T>C on the coding strand, the complement: TTN is on the minus strand). VCF-style: chr2-178537671-A-G. GRCh37 (hg19) VCF-style: chr2-179402398-A-G.
Other names: c.99536T>C (NM_001267550.1); c.94613T>C, p.Val31538Ala (NM_001256850.1); c.72341T>C, p.Val24114Ala (NM_003319.4); c.91832T>C, p.Val30611Ala (NM_133378.4); c.72716T>C, p.Val24239Ala (NM_133432.3); c.72917T>C, p.Val24306Ala (NM_133437.4); short protein forms V30611A, V33179A, V24306A, V24239A, V24114A, V31538A.
Identifiers: ClinVar variation 500742 (VCV000500742.10), dbSNP rs576759867, ClinGen allele CA1986175.
Genomic context (GRCh38, chr2:178,537,671, plus strand): 5'-CCAGGATGGAACTGCGGTGTTGCTTGCAGGAGAAGCTTACTACTGGTTTCTACTTCTCCA[A>G]CCTCATTGGTGGCTATGCAGGTATAAACACCTTCATCTTCCTGTTCCTCTGTCATTACTG-3'
Protein context (NP_001254479.2, residues 33169-33189): GVYTCIATNE[Val33179Ala]GEVETSSKLL

ClinVar aggregate classification (germline): Conflicting classifications of pathogenicity. Review status: criteria provided, conflicting classifications (1 of 4 stars). 4 submissions from 4 submitters: Uncertain significance (3); Likely benign (1). Last evaluated 2024-03-05.

Allele frequency attached by ClinVar (database versions not stated): ExAC 0.00006; TOPMed 0.00002; gnomAD 0.00003.
gnomAD v4.1: 48 of 1,613,630 alleles (0.003%); highest among the groups gnomAD compares: Middle Eastern, 0.033%; no homozygotes.

Submissions (4):

Revvity Omics, Revvity
Classification: Uncertain significance. Last evaluated: 2024-03-05. Review status: criteria provided, single submitter. Criteria: ACMG Guidelines, 2015. Collection method: clinical testing. Allele origin: germline.

GeneDx
Classification: Likely benign. Last evaluated: 2021-05-06. Review status: criteria provided, single submitter. Criteria: GeneDx Variant Classification Process June 2021. Collection method: clinical testing. Allele origin: germline. Affected: yes.

Women's Health and Genetics/Laboratory Corporation of America, LabCorp
Classification: Uncertain significance. Last evaluated: 2019-11-25. Review status: criteria provided, single submitter. Criteria: LabCorp Variant Classification Summary - May 2015. Collection method: clinical testing. Allele origin: germline.
Comment: Variant summary: TTN c.91832T>C (p.Val30611Ala) results in a non-conservative amino acid change located in the A-band of the encoded protein sequence. Three of five in-silico tools predict a benign effect of the variant on protein function. The variant allele was found at a frequency of 6.4e-05 in 248956 control chromosomes (gnomAD). This frequency is not significantly higher than expected for a pathogenic variant in TTN causing Cardiomyopathy (6.4e-05 vs 0.00063), allowing no conclusion about variant significance. c.91832T>C has been reported in the literature in an individual affected with arrhythmogenic right ventricular cardiomyopathy/dysplasia (ARVC/D). The patient also carried two DSG2 variants, c.217-1G>T and p.F531C. Authors suggest that the F531C variant is the main reason for the ARVC/D with more severe phenotypes being presented due to the co-occurrence with the DSG2 splice variant (Lin_2018). A ClinVar submission (evaluation after 2014) cites the variant as uncertain significance. Based on the evidence outlined above, the variant was classified as uncertain significance.

Eurofins Ntd Llc (ga)
Classification: Uncertain significance. Last evaluated: 2018-06-15. Review status: criteria provided, single submitter. Criteria: EGL ClinVar v180209 classification definitions. Collection method: clinical testing. Allele origin: germline. Observed: 2 variant alleles, 2 heterozygotes.

Literature cited by the submitters: PubMed 30177324 (cited by Women's Health and Genetics/Laboratory Corporation of America, LabCorp).